The following is an entry in ClinVar:

NM_007294.4(BRCA1):c.5333A>T (p.Asp1778Val)

Gene: BRCA1 (BRCA1 DNA repair associated; minus strand). Cytogenetic location: 17q21.31.
Variant type: single nucleotide variant.
Coding change: c.5333A>T on transcript NM_007294.4 (MANE Select); coding-DNA position 5333, A replaced by T.
Protein change: p.Asp1778Val; replaces aspartic acid 1778 with valine.
Molecular consequence: missense variant. On other transcripts: non-coding transcript variant (1), intron variant (1).
Genome position (GRCh38, 1-based): chr17:43,049,194, T>A on the plus strand (A>T on the coding strand, the complement: BRCA1 is on the minus strand). VCF-style: chr17-43049194-T-A. GRCh37 (hg19) VCF-style: chr17-41201211-T-A.
Other names: c.5120A>T, p.Asp1707Val (NM_001407571.1, NM_001407900.1, NM_001407902.1 and 12 more transcripts); c.5399A>T, p.Asp1800Val (NM_001407581.1, NM_001407582.1); c.5396A>T, p.Asp1799Val (NM_001407583.1, NM_001407585.1, NM_001407587.1 and 1 more transcripts); c.5393A>T, p.Asp1798Val (NM_001407590.1, NM_001407591.1); c.5333A>T, p.Asp1778Val (NM_001407593.1, NM_001407594.1, NM_001407596.1 and 5 more transcripts); c.5330A>T, p.Asp1777Val (NM_001407610.1, NM_001407611.1, NM_001407612.1 and 14 more transcripts); c.5327A>T, p.Asp1776Val (NM_001407627.1, NM_001407628.1, NM_001407629.1 and 13 more transcripts); c.5324A>T, p.Asp1775Val (NM_001407644.1, NM_001407645.1); and 73 more; short protein forms D1778V, D1731V, D1799V, D674V, D1482V, D1649V, D1665V, D1666V.
Identifiers: ClinVar variation 865355 (VCV000865355.3), dbSNP rs80357041, ClinGen allele CA10590798.

Conditions:
Breast-ovarian cancer, familial, susceptibility to, 1 (BROVCA1). Also called: BRCA1 Hereditary Breast and Ovarian Cancer; OVARIAN CANCER, SUSCEPTIBILITY TO. Identifiers: Orphanet 145, MedGen C2676676, MONDO:0011450, OMIM 604370. Disease mechanism: loss of function.

Submission:

Brotman Baty Institute, University of Washington
No classification provided (evidence only). Condition: Breast-ovarian cancer, familial 1. Review status: no classification provided. Collection method: in vitro. Allele origin: not applicable. Functional consequence: functionally_normal.
ClinVar note: "not provided" was previously submitted as the classification for the variant. However, the classification appeared to be based only on an observation of functional data so it was converted to no classification on 2025-07-30.